The following is an entry in ClinVar:

NM_006363.6(SEC23B):c.1512-2A>G

Gene: SEC23B (SEC23 homolog B, COPII component; plus strand). Cytogenetic location: 20p11.23.
Variant type: single nucleotide variant.
Coding change: c.1512-2A>G on transcript NM_006363.6 (MANE Select); the canonical splice acceptor site of the intron before coding-DNA position 1512, A replaced by G.
Molecular consequence: splice acceptor variant.
Genome position (GRCh38, 1-based): chr20:18,543,017, A>G. VCF-style: chr20-18543017-A-G. GRCh37 (hg19) VCF-style: chr20-18523661-A-G.
Other names: c.1512-2A>G (NM_032986.5, NM_001172745.3, NM_032985.6); c.1458-2A>G (NM_001172746.3).
Identifiers: ClinVar variation 3896699 (VCV003896699.1).

ClinVar aggregate classification (germline): Likely pathogenic (1 of 4 stars; one submission).

Conditions:
Congenital dyserythropoietic anemia, type II (CDAN2). Also called: DYSERYTHROPOIETIC ANEMIA, HEMPAS TYPE. Identifiers: Orphanet 98873, MedGen C1306589, MONDO:0009134, OMIM 224100.

Submission:

BloodGenetics
Classification: Likely pathogenic for Congenital dyserythropoietic anemia, type II. Last evaluated: 2025-03-12. Review status: criteria provided, single submitter. Criteria: ACMG Guidelines, 2015. Collection method: clinical testing. Allele origin: germline. Affected: yes. Observed: 1 variant allele.
Comment: The NM_006363.6(SEC23B): c.1512-2A>G splicing variant affects an acceptor splice site in intron 13 of the SEC23B gene. It is expected to disrupt RNA splicing. Another splicing variant at the same nucleotide position (c.1512-2A>T; ClinVar VCV.version: VCV003748985.1) has been submitted as likely pathogenic to ClinVar by a single laboratory and reported in patients with CDA type II (PMID: 25044164, 19561605, 16199547), suggesting that this position is critical for proper splicing and that alterations at this site may have deleterious effects on SEC23B gene function. This case is published in paper PMID: 37373084. In summary, this variant meets criteria to be classified as likely pathogenic for CDA type II based on the ACMG/AMP criteria applied: PVS1 very strong, PM2 supporting.

Literature cited by the submitters: PubMed 37373084.